The following is an entry in ClinVar:

ClinVar aggregate classification (germline): Uncertain significance (1 of 4 stars; one submission).

Submission:

Labcorp Genetics (formerly Invitae), Labcorp
Classification: Uncertain significance. Last evaluated: 2025-04-08. Review status: criteria provided, single submitter. Criteria: Invitae Variant Classification Sherloc (09022015). Collection method: clinical testing. Allele origin: germline.
Comment: This sequence change replaces proline, which is neutral and non-polar, with alanine, which is neutral and non-polar, at codon 32 of the COA3 protein (p.Pro32Ala). This variant is not present in population databases (gnomAD no frequency). This variant has not been reported in the literature in individuals affected with COA3-related conditions. An algorithm developed to predict the effect of missense changes on protein structure and function (PolyPhen-2) suggests that this variant is likely to be disruptive. In summary, the available evidence is currently insufficient to determine the role of this variant in disease. Therefore, it has been classified as a Variant of Uncertain Significance.

NM_001040431.3(COA3):c.94C>G (p.Pro32Ala)

Gene: COA3 (cytochrome c oxidase assembly factor 3; minus strand). Cytogenetic location: 17q21.2.
Variant type: single nucleotide variant.
Coding change: c.94C>G on transcript NM_001040431.3 (MANE Select); coding-DNA position 94, C replaced by G.
Protein change: p.Pro32Ala; replaces proline 32 with alanine.
Molecular consequence: missense variant.
Genome position (GRCh38, 1-based): chr17:42,798,588, G>C on the plus strand (C>G on the coding strand, the complement: COA3 is on the minus strand). VCF-style: chr17-42798588-G-C. GRCh37 (hg19) VCF-style: chr17-40950606-G-C.
Other names: short protein forms P32A.
Identifiers: ClinVar variation 4772277 (VCV004772277.1).
Genomic context (GRCh38, chr17:42,798,588, plus strand): 5'-GTGGTAGGACCTTCTGCCACTGGGCAAGCTCCGCCTGCCGCATGGAATGCAGTTGCTCGG[G>C]TGTCAGCTTCTCCCGAGTCGGGTCGATACGCTGAGCGAACGGGGCCTCTCCACGCTTAGA-3'
Protein context (NP_001035521.1, residues 22-42): RIDPTREKLT[Pro32Ala]EQLHSMRQAE